The following is an entry in ClinVar:

NM_001098.3(ACO2):c.1687_1696dup (p.Gln566fs)

Genes: ACO2 (aconitase 2; plus strand), LOC130067544 (ATAC-STARR-seq lymphoblastoid active region 19118; plus strand). Cytogenetic location: 22q13.2.
Variant type: Duplication.
Coding change: c.1687_1696dup on transcript NM_001098.3 (MANE Select); coding-DNA positions 1687 to 1696, 10 bases duplicated (CAGCGCCTGC; older notation c.1687_1696dupCAGCGCCTGC).
Protein change: p.Gln566fs; shifts the reading frame from glutamine 566.
Molecular consequence: frameshift variant.
Genome position (GRCh38, 1-based): chr22:41,525,274-41,525,283, CAGCGCCTGC duplicated; duplicating any 10 consecutive bases within chr22:41,525,272-41,525,283 gives the same sequence; the c. name uses the placement nearest the transcript's 3' end. VCF-style (leftmost placement, unchanged base first): chr22-41525271-A-AGCCAGCGCCT. GRCh37 (hg19) VCF-style: chr22-41921275-A-AGCCAGCGCCT.
Other names: short protein forms Q566fs.
Identifiers: ClinVar variation 2635572 (VCV002635572.1), dbSNP rs2518233282, ClinGen allele CA2695200126.

ClinVar aggregate classification (germline): Likely pathogenic (1 of 4 stars; one submission).

Conditions:
ACO2-related disorder. Also called: ACO2-Related Disorders.

Submission:

PreventionGenetics, part of Exact Sciences
Classification: Likely pathogenic for ACO2-related condition. Last evaluated: 2022-11-22. Review status: criteria provided, single submitter. Criteria: ACMG Guidelines, 2015. Collection method: clinical testing. Allele origin: germline.
Comment: The ACO2 c.1687_1696dup10 variant is predicted to result in a frameshift and premature protein termination (p.Gln566Profs*10). To our knowledge, this variant has not been reported in the literature or in a large population database, indicating this variant is rare. Frameshift variants in ACO2 are expected to be pathogenic, and therefore we interpret c.1687_1696dup (p.Gln566Profs*10) as likely pathogenic.